The following is an entry in ClinVar:

NM_005655.4(KLF10):c.437A>G (p.Lys146Arg)

Gene: KLF10 (KLF transcription factor 10; minus strand). Cytogenetic location: 8q22.3.
Variant type: single nucleotide variant.
Coding change: c.437A>G on transcript NM_005655.4 (MANE Select); coding-DNA position 437, A replaced by G.
Protein change: p.Lys146Arg; replaces lysine 146 with arginine.
Molecular consequence: missense variant.
Genome position (GRCh38, 1-based): chr8:102,651,895, T>C on the plus strand (A>G on the coding strand, the complement: KLF10 is on the minus strand). VCF-style: chr8-102651895-T-C. GRCh37 (hg19) VCF-style: chr8-103664123-T-C.
Other names: c.404A>G, p.Lys135Arg (NM_001032282.4); short protein forms K135R, K146R.
Identifiers: ClinVar variation 2872154 (VCV002872154.3), dbSNP rs2537071718, ClinGen allele CA371628587.

ClinVar aggregate classification (germline): Uncertain significance (1 of 4 stars; one submission).

Allele frequency attached by ClinVar (database versions not stated): gnomAD exomes below 0.00001.
gnomAD v4.1: 2 of 1,613,992 alleles (0.00012%); highest among the groups gnomAD compares: East Asian, 0.0022%; no homozygotes.

Submission:

Labcorp Genetics (formerly Invitae), Labcorp
Classification: Uncertain significance. Last evaluated: 2023-06-05. Review status: criteria provided, single submitter. Criteria: Invitae Variant Classification Sherloc (09022015). Collection method: clinical testing. Allele origin: germline.
Comment: In summary, the available evidence is currently insufficient to determine the role of this variant in disease. Therefore, it has been classified as a Variant of Uncertain Significance. This sequence change replaces lysine, which is basic and polar, with arginine, which is basic and polar, at codon 146 of the KLF10 protein (p.Lys146Arg). This variant is not present in population databases (gnomAD no frequency). This variant has not been reported in the literature in individuals affected with KLF10-related conditions. Algorithms developed to predict the effect of missense changes on protein structure and function output the following: SIFT: "Not Available"; PolyPhen-2: "Benign"; Align-GVGD: "Not Available". The arginine amino acid residue is found in multiple mammalian species, which suggests that this missense change does not adversely affect protein function.